The following is an entry in ClinVar:

ClinVar aggregate classification (germline): Pathogenic/Likely pathogenic. Review status: criteria provided, multiple submitters, no conflicts (2 of 4 stars). 2 submissions from 2 submitters: Pathogenic (1); Likely pathogenic (1). Last evaluated 2025-02-13.

Conditions:
COL2A1-related disorder. Also called: COL2A1-related condition; COL2A1-related disorders.

Submissions (2):

Labcorp Genetics (formerly Invitae), Labcorp
Classification: Pathogenic. Last evaluated: 2025-02-13. Review status: criteria provided, single submitter. Criteria: Invitae Variant Classification Sherloc (09022015). Collection method: clinical testing. Allele origin: germline.
Comment: This sequence change creates a premature translational stop signal (p.Gln716*) in the COL2A1 gene. It is expected to result in an absent or disrupted protein product. Loss-of-function variants in COL2A1 are known to be pathogenic (PMID: 20179744). This variant is not present in population databases (gnomAD no frequency). This variant has not been reported in the literature in individuals affected with COL2A1-related conditions. ClinVar contains an entry for this variant (Variation ID: 2810588). For these reasons, this variant has been classified as Pathogenic.

Blueprint Genetics
Classification: Likely pathogenic for COL2A1-related disorders. Last evaluated: 2022-11-03. Review status: criteria provided, single submitter. Criteria: ACMG Guidelines, 2015. Collection method: clinical testing. Allele origin: germline. Affected: yes. Observed: 1 variant allele.

Literature cited by the submitters: PubMed 20179744 (cited by Labcorp Genetics (formerly Invitae), Labcorp).

NM_001844.5(COL2A1):c.2146C>T (p.Gln716Ter)

Gene: COL2A1 (collagen type II alpha 1 chain; minus strand). Cytogenetic location: 12q13.11.
Variant type: single nucleotide variant.
Coding change: c.2146C>T on transcript NM_001844.5 (MANE Select); coding-DNA position 2146, C replaced by T.
Protein change: p.Gln716Ter; replaces glutamine 716 with a stop codon.
Molecular consequence: nonsense.
Genome position (GRCh38, 1-based): chr12:47,982,895, G>A on the plus strand (C>T on the coding strand, the complement: COL2A1 is on the minus strand). VCF-style: chr12-47982895-G-A. GRCh37 (hg19) VCF-style: chr12-48376678-G-A.
Other names: c.1939C>T, p.Gln647Ter (NM_033150.3); short protein forms Q647*, Q716*.
Identifiers: ClinVar variation 2810588 (VCV002810588.4), dbSNP rs2540135979, ClinGen allele CA384547016.